The following is an entry in ClinVar:

ClinVar aggregate classification (germline): Pathogenic (1 of 4 stars; one submission).

Conditions:
Transcobalamin II deficiency (TCN2D). Also called: TC II DEFICIENCY; TCN2 DEFICIENCY; Transcolabamin II deficiency. Identifiers: Orphanet 859, MedGen C0342701, MONDO:0010149, OMIM 275350.

Allele frequency attached by ClinVar (database versions not stated): gnomAD exomes below 0.00001.

Submission:

Labcorp Genetics (formerly Invitae), Labcorp
Classification: Pathogenic for Transcobalamin II deficiency. Last evaluated: 2024-06-04. Review status: criteria provided, single submitter. Criteria: Invitae Variant Classification Sherloc (09022015). Collection method: clinical testing. Allele origin: germline.
Comment: This sequence change creates a premature translational stop signal (p.Pro40Thrfs*54) in the TCN2 gene. It is expected to result in an absent or disrupted protein product. Loss-of-function variants in TCN2 are known to be pathogenic (PMID: 7980584, 20352340). This variant is not present in population databases (gnomAD no frequency). This variant has not been reported in the literature in individuals affected with TCN2-related conditions. For these reasons, this variant has been classified as Pathogenic.

Literature cited by the submitters: PubMed 7980584; PubMed 20352340.

NM_000355.4(TCN2):c.117dup (p.Pro40fs)

Gene: TCN2 (transcobalamin 2; plus strand). Cytogenetic location: 22q12.2.
Variant type: Duplication.
Coding change: c.117dup on transcript NM_000355.4 (MANE Select); coding-DNA position 117, one base duplicated (A; older notation c.117dupA).
Protein change: p.Pro40fs; shifts the reading frame from proline 40.
Molecular consequence: frameshift variant.
Genome position (GRCh38, 1-based): chr22:30,610,923, A duplicated. VCF-style (leftmost placement, unchanged base first): chr22-30610922-T-TA. GRCh37 (hg19) VCF-style: chr22-31006909-T-TA.
Other names: c.117dup, p.Pro40fs (NM_001184726.2); short protein forms P40fs.
Identifiers: ClinVar variation 2805322 (VCV002805322.3), dbSNP rs2517900064, ClinGen allele CA2577687113.